The following is an entry in ClinVar:

NM_000059.4(BRCA2):c.8764A>C (p.Ser2922Arg)

Gene: BRCA2 (BRCA2 DNA repair associated; plus strand). Cytogenetic location: 13q13.1.
Variant type: single nucleotide variant.
Coding change: c.8764A>C on transcript NM_000059.4 (MANE Select); coding-DNA position 8764, A replaced by C.
Protein change: p.Ser2922Arg; replaces serine 2922 with arginine.
Molecular consequence: missense variant.
Genome position (GRCh38, 1-based): chr13:32,379,326, A>C. VCF-style: chr13-32379326-A-C. GRCh37 (hg19) VCF-style: chr13-32953463-A-C.
Other names: short protein forms S2922R.
Identifiers: ClinVar variation 439014 (VCV000439014.5), dbSNP rs80359132, ClinGen allele CA387755760.

ClinVar aggregate classification (germline): Conflicting classifications of pathogenicity. Review status: criteria provided, conflicting classifications (1 of 4 stars). 3 submissions from 3 submitters: Uncertain significance (2); Likely benign (1). Last evaluated 2025-10-23.

Conditions:
Hereditary cancer-predisposing syndrome. Also called: Hereditary neoplastic syndrome; Hereditary Cancer Syndrome; Tumor predisposition; Neoplastic Syndromes, Hereditary. Identifiers: Orphanet 140162, MedGen C0027672, MeSH D009386, MONDO:0015356.
Hereditary breast ovarian cancer syndrome. Also called: Breast and ovarian cancer; Hereditary breast and ovarian cancer; BRCA1- and BRCA2-Associated Hereditary Breast and Ovarian Cancer; Hereditary breast and/or ovarian cancer syndrome; Hereditary breast and ovarian cancer syndrome; Hereditary breast and ovarian cancer syndrome (HBOC). Identifiers: Orphanet 145, MedGen C0677776, MeSH D061325, MONDO:0003582. Disease mechanism: loss of function.

Submissions (3):

Labcorp Genetics (formerly Invitae), Labcorp
Classification: Uncertain significance for Hereditary breast ovarian cancer syndrome. Last evaluated: 2025-10-23. Review status: criteria provided, single submitter. Criteria: Invitae Variant Classification Sherloc (09022015). Collection method: clinical testing. Allele origin: germline.
Comment: This sequence change replaces serine, which is neutral and polar, with arginine, which is basic and polar, at codon 2922 of the BRCA2 protein (p.Ser2922Arg). This variant is not present in population databases (gnomAD no frequency). This variant has not been reported in the literature in individuals affected with BRCA2-related conditions. ClinVar contains an entry for this variant (Variation ID: 439014). Invitae Evidence Modeling of protein sequence and biophysical properties (such as structural, functional, and spatial information, amino acid conservation, physicochemical variation, residue mobility, and thermodynamic stability) indicates that this missense variant is not expected to disrupt BRCA2 protein function with a negative predictive value of 95%. Experimental studies are conflicting or provide insufficient evidence to determine the effect of this variant on BRCA2 function (PMID: 32444794). In summary, the available evidence is currently insufficient to determine the role of this variant in disease. Therefore, it has been classified as a Variant of Uncertain Significance.

Quest Diagnostics Nichols Institute San Juan Capistrano
Classification: Uncertain significance. Last evaluated: 2024-08-25. Review status: criteria provided, single submitter. Criteria: Quest Diagnostics criteria. Collection method: clinical testing. Allele origin: unknown.
Comment: The BRCA2 c.8764A>C (p.Ser2922Arg) variant has been reported in the published literature in a high throughput functional evaluation and reported as a VUS (PMID: 32444794 (2020)). It is also described to be located in a region of the BRCA2 gene that is tolerant to missense sequence changes (PMID: 31911673 (2020)). This variant has not been reported in large, multi-ethnic general populations (Genome Aggregation Database). Analysis of this variant using bioinformatics tools for the prediction of the effect of amino acid changes on protein structure and function yielded conflicting predictions that this variant is benign or damaging. Based on the available information, we are unable to determine the clinical significance of this variant.

Ambry Genetics
Classification: Likely benign for Hereditary cancer-predisposing syndrome. Last evaluated: 2024-07-12. Review status: criteria provided, single submitter. Criteria: Ambry Variant Classification Scheme 2023. Collection method: clinical testing. Allele origin: germline.

Literature cited by the submitters: PubMed 32444794 (cited by Labcorp Genetics (formerly Invitae), Labcorp and Quest Diagnostics Nichols Institute San Juan Capistrano); PubMed 31911673 (cited by Quest Diagnostics Nichols Institute San Juan Capistrano).